The following is an entry in ClinVar:

ClinVar aggregate classification (germline): Pathogenic. Review status: no assertion criteria provided (0 of 4 stars). 2 submissions from 2 submitters: Pathogenic (2). Last evaluated 2015-06-01.

Conditions:
Zimmermann-Laband syndrome 1 (ZLS1). Identifiers: Orphanet 3473, MedGen C4551773, MONDO:0024526, OMIM 135500.

Submissions (2):

OMIM
Classification: Pathogenic for ZIMMERMANN-LABAND SYNDROME 1. Last evaluated: 2015-06-01. Review status: no assertion criteria provided. Collection method: literature only. Allele origin: germline.

Reparto di Fisiopatologia delle Malattie Genetiche, Dipartimento di Ematologia, Oncologia; Istituto Superiore di Sanità
Classification: Pathogenic for Laband syndrome. Review status: no assertion criteria provided. Collection method: not provided. Allele origin: de novo, germline.
Comment: Genomic DNA was isolated from peripheral blood leukocytes, hair bulb and/or buccal cells.
ClinVar note: Converted during submission from pathogenic to Pathogenic.

Literature cited by the submitters: PubMed 23994350 (cited by OMIM); PubMed 25915598 (cited by OMIM).

NM_172362.3(KCNH1):c.1135C>G (p.Leu379Val)

Gene: KCNH1 (potassium voltage-gated channel subfamily H member 1; minus strand). Cytogenetic location: 1q32.2.
Variant type: single nucleotide variant.
Coding change: c.1135C>G on transcript NM_172362.3 (MANE Select); coding-DNA position 1135, C replaced by G.
Protein change: p.Leu379Val; replaces leucine 379 with valine.
Molecular consequence: missense variant.
Genome position (GRCh38, 1-based): chr1:210,919,967, G>C on the plus strand (C>G on the coding strand, the complement: KCNH1 is on the minus strand). VCF-style: chr1-210919967-G-C. GRCh37 (hg19) VCF-style: chr1-211093309-G-C.
Other names: c.1054C>G, p.Leu352Val (NM_002238.4); short protein forms L352V, L379V.
Identifiers: ClinVar variation 183416 (VCV000183416.2), dbSNP rs730882176, ClinGen allele CA215095.
Genomic context (GRCh38, chr1:210,919,967, plus strand): 5'-TGTACCAGATGCAGGCCATCCAGTGTGCAGCCAGCCCAAACACACACACCAGCAGGACCA[G>C]CACAGCAGCTCCATATTCAATGTAGTGGTCCAGCTTACGGGCCACTCGCCCAAGACGGAG-3'
Protein context (NP_758872.1, residues 369-389): DHYIEYGAAV[Leu379Val]VLLVCVFGLA